The following is an entry in ClinVar:

ClinVar aggregate classification (germline): Uncertain significance. Review status: criteria provided, multiple submitters, no conflicts (2 of 4 stars). 8 submissions from 4 submitters: Uncertain significance (8). Last evaluated 2025-08-02.

Conditions:
Myopathy, myofibrillar, 9, with early respiratory failure (MFM9). Also called: Myopathy, distal, with early respiratory failure, autosomal dominant; EDSTROM MYOPATHY; Hereditary myopathy with early respiratory failure; MYOPATHY, PROXIMAL, WITH EARLY RESPIRATORY MUSCLE INVOLVEMENT. Identifiers: Orphanet 178464, Orphanet 34521, MedGen C1863599, MONDO:0011362, OMIM 603689.
Tibial muscular dystrophy (TMD). Also called: Udd Distal Myopathy – Tibial Muscular Dystrophy; UDD MYOPATHY; Tibial muscular dystrophy, tardive. Identifiers: Orphanet 609, MedGen C1838244, MONDO:0010870, OMIM 600334.
Dilated cardiomyopathy 1G (CMD1G). Identifiers: Orphanet 154, MedGen C1858763, MONDO:0011400, OMIM 604145.
Early-onset myopathy with fatal cardiomyopathy (CMYO5). Also called: CONGENITAL MYOPATHY 5 WITH CARDIOMYOPATHY; Salih Myopathy. Identifiers: Orphanet 289377, MedGen C2673677, MONDO:0012714, OMIM 611705. Disease mechanism: loss of function.
Autosomal recessive limb-girdle muscular dystrophy type 2J (LGMDR10). Also called: MUSCULAR DYSTROPHY, LIMB-GIRDLE, AUTOSOMAL RECESSIVE 10; Limb-girdle muscular dystrophy, type 2J. Identifiers: Orphanet 140922, MedGen C1837342, MONDO:0012127, OMIM 608807.

Allele frequency attached by ClinVar (database versions not stated): gnomAD exomes 0.00001; TOPMed 0.00002; gnomAD 0.00003.
gnomAD v4.1: 21 of 1,611,678 alleles (0.0013%); highest among the groups gnomAD compares: African/African-American, 0.004%; no homozygotes.

Submissions (8):

Mayo Clinic Laboratories, Mayo Clinic
Classification: Uncertain significance. Last evaluated: 2025-08-02. Review status: criteria provided, single submitter. Criteria: ACMG Guidelines, 2015. Collection method: clinical testing. Allele origin: germline. Observed: 1 variant allele.
Comment: BP4_moderate, PM2_supporting

CeGaT Center for Human Genetics Tuebingen
Classification: Uncertain significance. Last evaluated: 2024-10-01. Review status: criteria provided, single submitter. Criteria: CeGaT Center For Human Genetics Tuebingen Variant Classification Criteria Version 2. Collection method: clinical testing. Allele origin: germline. Affected: yes. Observed: 2 variant alleles.
Comment: TTN: PM2:Supporting, BP4

Revvity Omics, Revvity
Classification: Uncertain significance. Last evaluated: 2022-05-25. Review status: criteria provided, single submitter. Criteria: ACMG Guidelines, 2015. Collection method: clinical testing. Allele origin: germline.

Illumina Laboratory Services, Illumina
Classification: Uncertain significance for Early-onset myopathy with fatal cardiomyopathy. Last evaluated: 2018-01-13. Review status: criteria provided, single submitter. Criteria: ICSL Variant Classification Criteria 13 December 2019. Collection method: clinical testing. Allele origin: germline.

Illumina Laboratory Services, Illumina
Classification: Uncertain significance for Tibial muscular dystrophy. Last evaluated: 2018-01-13. Review status: criteria provided, single submitter. Criteria: ICSL Variant Classification Criteria 13 December 2019. Collection method: clinical testing. Allele origin: germline.

Illumina Laboratory Services, Illumina
Classification: Uncertain significance for Dilated cardiomyopathy 1G. Last evaluated: 2018-01-13. Review status: criteria provided, single submitter. Criteria: ICSL Variant Classification Criteria 13 December 2019. Collection method: clinical testing. Allele origin: germline.

Illumina Laboratory Services, Illumina
Classification: Uncertain significance for Autosomal recessive limb-girdle muscular dystrophy type 2J. Last evaluated: 2018-01-13. Review status: criteria provided, single submitter. Criteria: ICSL Variant Classification Criteria 13 December 2019. Collection method: clinical testing. Allele origin: germline.

Illumina Laboratory Services, Illumina
Classification: Uncertain significance for Myopathy, myofibrillar, 9, with early respiratory failure. Last evaluated: 2018-01-13. Review status: criteria provided, single submitter. Criteria: ICSL Variant Classification Criteria 13 December 2019. Collection method: clinical testing. Allele origin: germline.

Literature cited by the submitters: PubMed 30681346 (cited by Mayo Clinic Laboratories, Mayo Clinic).

NM_001267550.2(TTN):c.106996C>G (p.Gln35666Glu)

Genes: TTN (titin; minus strand), TTN-AS1 (TTN antisense RNA 1; plus strand). Cytogenetic location: 2q31.2.
Variant type: single nucleotide variant.
Coding change: c.106996C>G on transcript NM_001267550.2 (MANE Select); coding-DNA position 106996, C replaced by G.
Protein change: p.Gln35666Glu; replaces glutamine 35666 with glutamic acid.
Molecular consequence: missense variant.
Genome position (GRCh38, 1-based): chr2:178,528,755, G>C on the plus strand (C>G on the coding strand, the complement: TTN is on the minus strand). VCF-style: chr2-178528755-G-C. GRCh37 (hg19) VCF-style: chr2-179393482-G-C.
Other names: p.Gln33098Glu; c.102073C>G, p.Gln34025Glu (NM_001256850.1); c.79801C>G, p.Gln26601Glu (NM_003319.4); c.99292C>G, p.Gln33098Glu (NM_133378.4); c.80176C>G, p.Gln26726Glu (NM_133432.3); c.80377C>G, p.Gln26793Glu (NM_133437.4); short protein forms Q33098E, Q35666E, Q26726E, Q26793E, Q34025E, Q26601E.
Identifiers: ClinVar variation 332678 (VCV000332678.29), dbSNP rs750660824, ClinGen allele CA1985014.